The following is an entry in ClinVar:

NM_000384.3(APOB):c.3997C>G (p.Arg1333Gly)

Gene: APOB (apolipoprotein B; minus strand). Cytogenetic location: 2p24.1.
Variant type: single nucleotide variant.
Coding change: c.3997C>G on transcript NM_000384.3 (MANE Select); coding-DNA position 3997, C replaced by G.
Protein change: p.Arg1333Gly; replaces arginine 1333 with glycine.
Molecular consequence: missense variant.
Genome position (GRCh38, 1-based): chr2:21,013,379, G>C on the plus strand (C>G on the coding strand, the complement: APOB is on the minus strand). VCF-style: chr2-21013379-G-C. GRCh37 (hg19) VCF-style: chr2-21236251-G-C.
Other names: short protein forms R1333G.
Identifiers: ClinVar variation 630135 (VCV000630135.10), dbSNP rs121918383, ClinGen allele CA060306.

ClinVar aggregate classification (germline): Uncertain significance. Review status: criteria provided, multiple submitters, no conflicts (2 of 4 stars). 3 submissions from 3 submitters: Uncertain significance (3). Last evaluated 2026-08-06.

Conditions:
Hypercholesterolemia, autosomal dominant, type B (FHCL2). Also called: Familial Hypercholesterolemia Type B; Hyperlipoproteinemia Type IIb; Familial hypercholesterolemia 2; HYPERCHOLESTEROLEMIA, FAMILIAL, DUE TO LIGAND-DEFECTIVE APOLIPOPROTEIN B; APOB-Related Familial Hypercholesterolemia, Autosomal Dominant; APOLIPOPROTEIN B-100, FAMILIAL DEFECTIVE. Identifiers: MedGen C1704417, MONDO:0007751, OMIM 144010.
Familial hypobetalipoproteinemia 1. Also called: Hypobetalipoproteinemia, normotriglyceridemic; Acanthocytosis with hypobetalipoproteinemia; APOB-Related Familial Hypobetalipoproteinemia. Identifiers: MedGen C4551990, MONDO:0014252, OMIM 615558.

Allele frequency attached by ClinVar (database versions not stated): ExAC 0.00001; gnomAD 0.00001; gnomAD exomes 0.00001.
gnomAD v4.1: 11 of 1,614,066 alleles (0.00068%); highest among the groups gnomAD compares: Middle Eastern, 0.016%; no homozygotes.

Submissions (3):

GeneDx
Classification: Uncertain significance. Last evaluated: 2026-08-06. Review status: criteria provided, single submitter. Criteria: GeneDx Variant Classification Process June 2021. Collection method: clinical testing. Allele origin: germline.
Comment: Not observed at significant frequency in large population cohorts (gnomAD); In silico analysis supports that this missense variant has a deleterious effect on protein structure/function; Has not been previously published as pathogenic or benign to our knowledge

Labcorp Genetics (formerly Invitae), Labcorp
Classification: Uncertain significance for Familial hypobetalipoproteinemia 1; Hypercholesterolemia, autosomal dominant, type B. Last evaluated: 2025-03-05. Review status: criteria provided, single submitter. Criteria: Invitae Variant Classification Sherloc (09022015). Collection method: clinical testing. Allele origin: germline.
Comment: This sequence change replaces arginine, which is basic and polar, with glycine, which is neutral and non-polar, at codon 1333 of the APOB protein (p.Arg1333Gly). This variant is present in population databases (rs121918383, gnomAD 0.002%). This variant has not been reported in the literature in individuals affected with APOB-related conditions. ClinVar contains an entry for this variant (Variation ID: 630135). Invitae Evidence Modeling of protein sequence and biophysical properties (such as structural, functional, and spatial information, amino acid conservation, physicochemical variation, residue mobility, and thermodynamic stability) indicates that this missense variant is not expected to disrupt APOB protein function with a negative predictive value of 95%. In summary, the available evidence is currently insufficient to determine the role of this variant in disease. Therefore, it has been classified as a Variant of Uncertain Significance.

Fulgent Genetics
Classification: Uncertain significance for Hypercholesterolemia, autosomal dominant, type B; Familial hypobetalipoproteinemia 1. Last evaluated: 2021-12-05. Review status: criteria provided, single submitter. Criteria: ACMG Guidelines, 2015. Collection method: clinical testing. Allele origin: unknown.